The following is an entry in ClinVar:

NM_020831.6(MRTFA):c.2928G>C (p.Met976Ile)

Gene: MRTFA (myocardin related transcription factor A; minus strand). Cytogenetic location: 22q13.1.
Variant type: single nucleotide variant.
Coding change: c.2928G>C on transcript NM_020831.6 (MANE Select); coding-DNA position 2928, G replaced by C.
Protein change: p.Met976Ile; replaces methionine 976 with isoleucine.
Molecular consequence: missense variant. On other transcripts: 3 prime UTR variant (1).
Genome position (GRCh38, 1-based): chr22:40,411,558, C>G on the plus strand (G>C on the coding strand, the complement: MRTFA is on the minus strand). VCF-style: chr22-40411558-C-G. GRCh37 (hg19) VCF-style: chr22-40807562-C-G.
Other names: c.2628G>C, p.Met876Ile (NM_001282660.2); c.2778G>C, p.Met926Ile (NM_001282661.3); c.*241G>C (NM_001282662.3); c.2733G>C, p.Met911Ile (NM_001318139.2); short protein forms M876I, M911I, M926I, M976I.
Identifiers: ClinVar variation 1682917 (VCV001682917.8), dbSNP rs146530131, ClinGen allele CA411651706.

ClinVar aggregate classification (germline): Uncertain significance (1 of 4 stars; one submission).

gnomAD v4.1: 1 of 1,613,808 alleles (0.000062%); highest among the groups gnomAD compares: Non-Finnish European, 0.000085%; no homozygotes.

Submission:

Labcorp Genetics (formerly Invitae), Labcorp
Classification: Uncertain significance. Last evaluated: 2021-06-24. Review status: criteria provided, single submitter. Criteria: Invitae Variant Classification Sherloc (09022015). Collection method: clinical testing. Allele origin: germline.
Comment: In summary, the available evidence is currently insufficient to determine the role of this variant in disease. Therefore, it has been classified as a Variant of Uncertain Significance. Algorithms developed to predict the effect of missense changes on protein structure and function (SIFT, PolyPhen-2, Align-GVGD) all suggest that this variant is likely to be tolerated, but these predictions have not been confirmed by published functional studies and their clinical significance is uncertain. This sequence change replaces methionine with isoleucine at codon 876 of the MKL1 protein (p.Met876Ile). The methionine residue is moderately conserved and there is a small physicochemical difference between methionine and isoleucine. This variant is not present in population databases (ExAC no frequency). This variant has not been reported in the literature in individuals with MKL1-related conditions.